The following is an entry in ClinVar:

ClinVar aggregate classification (germline): Likely pathogenic (1 of 4 stars; one submission).

Conditions:
Spondylocarpotarsal synostosis syndrome (SCT). Also called: Spondylocarpotarsal Synostosis Syndrome (FLNB-SCT); Synspondylism congenital; Scoliosis, congenital with unilateral unsegmented bar; SPONDYLOCARPOTARSAL SYNDROME; VERTEBRAL FUSION WITH CARPAL COALITION. Identifiers: Orphanet 3275, MedGen C1848934, MONDO:0010094, OMIM 272460.

Submission:

Neuberg Centre For Genomic Medicine, NCGM
Classification: Likely pathogenic for Spondylocarpotarsal synostosis syndrome. Review status: criteria provided, single submitter. Criteria: ACMG Guidelines, 2015. Collection method: clinical testing. Allele origin: germline. Inheritance: Autosomal recessive inheritance. Affected: yes.
Comment: The c.3535G>T (p.Glu1179Ter) stop gained variant in FLNB gene has not been reported previously as a pathogenic variant nor as a benign variant, to our knowledge. The c.3535G>T variant is novel (not in any individuals) in gnomAD Exomes and 1000 Genomes. The nucleotide change c.3535G>T in FLNB is predicted as conserved by GERP++ and PhyloP across 100 vertebrates. This variant is predicted to cause loss of normal protein function through protein truncation. Loss of function variants have been previously reported to be disease causing. For these reasons, this variant has been classified as Likely Pathogenic.

NM_001457.4(FLNB):c.3535G>T (p.Glu1179Ter)

Gene: FLNB (filamin B; plus strand). Cytogenetic location: 3p14.3.
Variant type: single nucleotide variant.
Coding change: c.3535G>T on transcript NM_001457.4 (MANE Select); coding-DNA position 3535, G replaced by T.
Protein change: p.Glu1179Ter; replaces glutamic acid 1179 with a stop codon.
Molecular consequence: nonsense.
Genome position (GRCh38, 1-based): chr3:58,123,501, G>T. VCF-style: chr3-58123501-G-T. GRCh37 (hg19) VCF-style: chr3-58109228-G-T.
Other names: c.3535G>T, p.Glu1179Ter (NM_001164319.2, NM_001164317.2, NM_001164318.2); short protein forms E1179*.
Identifiers: ClinVar variation 2585626 (VCV002585626.1), dbSNP rs17058845, ClinGen allele CA353348997.